The following is an entry in ClinVar:

NM_001297.5(CNGB1):c.1802-4_1803del

Gene: CNGB1 (cyclic nucleotide gated channel subunit beta 1; minus strand). Cytogenetic location: 16q21.
Variant type: Deletion.
Coding change: c.1802-4_1803del on transcript NM_001297.5 (MANE Select); 4 bases into the intron before coding-DNA position 1802 through coding-DNA position 1803, 6 bases deleted (ACAGCC; older notation c.1802-4_1803delACAGCC).
Molecular consequence: splice acceptor variant.
Genome position (GRCh38, 1-based): chr16:57,919,253-57,919,258, GGCTGT deleted on the plus strand (ACAGCC on the coding strand, the reverse complement: CNGB1 is on the minus strand); deleting any 6 consecutive bases within chr16:57,919,253-57,919,260 gives the same sequence; the c. name uses the placement nearest the transcript's 3' end. VCF-style (leftmost placement, unchanged base first): chr16-57919252-GGGCTGT-G. GRCh37 (hg19) VCF-style: chr16-57953156-GGGCTGT-G.
Other names: c.1784-4_1785del (NM_001286130.2).
Identifiers: ClinVar variation 4764540 (VCV004764540.1).

ClinVar aggregate classification (germline): Likely pathogenic (1 of 4 stars; one submission).

Submission:

Labcorp Genetics (formerly Invitae), Labcorp
Classification: Likely pathogenic. Last evaluated: 2025-05-30. Review status: criteria provided, single submitter. Criteria: Invitae Variant Classification Sherloc (09022015). Collection method: clinical testing. Allele origin: germline.
Comment: This variant results in the deletion of part of exon 20 (c.1802-4_1803del) of the CNGB1 gene. It is expected to disrupt RNA splicing. Variants that disrupt the donor or acceptor splice site typically lead to a loss of protein function (PMID: 16199547), and loss-of-function variants in CNGB1 are known to be pathogenic (PMID: 15557452, 24043777). This variant is not present in population databases (gnomAD no frequency). This variant has not been reported in the literature in individuals affected with CNGB1-related conditions. In summary, the currently available evidence indicates that the variant is pathogenic, but additional data are needed to prove that conclusively. Therefore, this variant has been classified as Likely Pathogenic.

Literature cited by the submitters: PubMed 16199547; PubMed 15557452; PubMed 24043777.